The following is an entry in ClinVar:

ClinVar aggregate classification (germline): Uncertain significance. Review status: criteria provided, multiple submitters, no conflicts (2 of 4 stars). 2 submissions from 2 submitters: Uncertain significance (2). Last evaluated 2025-06-12.

Allele frequency attached by ClinVar (database versions not stated): gnomAD exomes below 0.00001; TOPMed below 0.00001; gnomAD 0.00001.
gnomAD v4.1: 2 of 1,612,538 alleles (0.00012%); highest among the groups gnomAD compares: African/African-American, 0.0027%; no homozygotes.

Submissions (2):

Labcorp Genetics (formerly Invitae), Labcorp
Classification: Uncertain significance. Last evaluated: 2025-06-12. Review status: criteria provided, single submitter. Criteria: Invitae Variant Classification Sherloc (09022015). Collection method: clinical testing. Allele origin: germline.
Comment: This sequence change replaces valine, which is neutral and non-polar, with leucine, which is neutral and non-polar, at codon 188 of the GATA3 protein (p.Val188Leu). This variant is present in population databases (no rsID available, gnomAD 0.01%). This variant has not been reported in the literature in individuals affected with GATA3-related conditions. ClinVar contains an entry for this variant (Variation ID: 2896336). Invitae Evidence Modeling of protein sequence and biophysical properties (such as structural, functional, and spatial information, amino acid conservation, physicochemical variation, residue mobility, and thermodynamic stability) indicates that this missense variant is not expected to disrupt GATA3 protein function with a negative predictive value of 80%. In summary, the available evidence is currently insufficient to determine the role of this variant in disease. Therefore, it has been classified as a Variant of Uncertain Significance.

Blueprint Genetics
Classification: Uncertain significance. Last evaluated: 2019-06-12. Review status: criteria provided, single submitter. Criteria: ACMG Guidelines, 2015. Collection method: clinical testing. Allele origin: germline.

NM_001002295.2(GATA3):c.562G>C (p.Val188Leu)

Gene: GATA3 (GATA binding protein 3; plus strand). Cytogenetic location: 10p14.
Variant type: single nucleotide variant.
Coding change: c.562G>C on transcript NM_001002295.2 (MANE Select); coding-DNA position 562, G replaced by C.
Protein change: p.Val188Leu; replaces valine 188 with leucine.
Molecular consequence: missense variant.
Genome position (GRCh38, 1-based): chr10:8,058,625, G>C. VCF-style: chr10-8058625-G-C. GRCh37 (hg19) VCF-style: chr10-8100588-G-C.
Other names: c.562G>C, p.Val188Leu (NM_002051.3); short protein forms V188L.
Identifiers: ClinVar variation 2896336 (VCV002896336.4), dbSNP rs1479744809, ClinGen allele CA375969453.